The following is an entry in ClinVar:

NM_000211.5(ITGB2):c.2050C>T (p.Arg684Cys)

Gene: ITGB2 (integrin subunit beta 2; minus strand). Cytogenetic location: 21q22.3.
Variant type: single nucleotide variant.
Coding change: c.2050C>T on transcript NM_000211.5 (MANE Select); coding-DNA position 2050, C replaced by T.
Protein change: p.Arg684Cys; replaces arginine 684 with cysteine.
Molecular consequence: missense variant.
Genome position (GRCh38, 1-based): chr21:44,888,723, G>A on the plus strand (C>T on the coding strand, the complement: ITGB2 is on the minus strand). VCF-style: chr21-44888723-G-A. GRCh37 (hg19) VCF-style: chr21-46308638-G-A.
Other names: c.2050C>T (LRG_76t1); c.2050C>T, p.Arg684Cys (NM_001127491.3); c.1843C>T, p.Arg615Cys (NM_001303238.2); short protein forms R684C, R615C.
Identifiers: ClinVar variation 340141 (VCV000340141.16), dbSNP rs147238010, ClinGen allele CA10062600.

ClinVar aggregate classification (germline): Conflicting classifications of pathogenicity. Review status: criteria provided, conflicting classifications (1 of 4 stars). 4 submissions from 4 submitters: Uncertain significance (2); Likely benign (1). 1 of the submissions does not count toward it. Last evaluated 2026-03-14.

Conditions:
ITGB2-related disorder. Also called: ITGB2-related condition.
Leukocyte adhesion deficiency 1 (LAD1). Also called: LAD 1; Lymphocyte function-associated antigen 1 immunodeficiency; LFA 1 immunodeficiency; LEUKOCYTE ADHESION DEFICIENCY, TYPE I. Identifiers: Orphanet 2968, Orphanet 99842, MedGen C0398738, MONDO:0007293, OMIM 116920.

Allele frequency attached by ClinVar (database versions not stated): ExAC 0.00055; 1000 Genomes Project 0.00060; TOPMed 0.00073; gnomAD 0.00081 and 0.00084; 1000 Genomes Project 30x 0.00094; ESP Exome Variant Server 0.00161; gnomAD exomes 0.00042.
gnomAD v4.1: 1,171 of 1,610,570 alleles (0.073%); highest among the groups gnomAD compares: African/African-American, 0.13%; no homozygotes.

Submissions (4):

GeneDx
Classification: Uncertain significance. Last evaluated: 2026-03-14. Review status: criteria provided, single submitter. Criteria: GeneDx Variant Classification Process June 2021. Collection method: clinical testing. Allele origin: germline.
Comment: In silico analysis supports that this missense variant has a deleterious effect on protein structure/function; Has not been previously published as pathogenic or benign to our knowledge

Labcorp Genetics (formerly Invitae), Labcorp
Classification: Likely benign for Leukocyte adhesion deficiency 1. Last evaluated: 2026-01-20. Review status: criteria provided, single submitter. Criteria: Invitae Variant Classification Sherloc (09022015). Collection method: clinical testing. Allele origin: germline.

Illumina Laboratory Services, Illumina
Classification: Uncertain significance for Leukocyte adhesion deficiency 1. Last evaluated: 2018-01-13. Review status: criteria provided, single submitter. Criteria: ICSL Variant Classification Criteria 13 December 2019. Collection method: clinical testing. Allele origin: germline.

PreventionGenetics, part of Exact Sciences
Classification: Likely benign for ITGB2-related condition. Last evaluated: 2023-12-30. Review status: no assertion criteria provided. Collection method: clinical testing. Allele origin: germline. Not counted in ClinVar's aggregate classification.
Comment: This variant is classified as likely benign based on ACMG/AMP sequence variant interpretation guidelines (Richards et al. 2015 PMID: 25741868, with internal and published modifications).